The following is an entry in ClinVar:

ClinVar aggregate classification (germline): Uncertain significance (1 of 4 stars; one submission).

Conditions:
RASopathy. Also called: Noonan spectrum disorder; rasopathies. Identifiers: Orphanet 536391, MedGen C5555857, MONDO:0021060.

gnomAD v4.1: 2 of 1,613,920 alleles (0.00012%); highest among the groups gnomAD compares: Non-Finnish European, 0.000085%; no homozygotes.

Submission:

Labcorp Genetics (formerly Invitae), Labcorp
Classification: Uncertain significance for RASopathy. Last evaluated: 2021-09-19. Review status: criteria provided, single submitter. Criteria: Invitae Variant Classification Sherloc (09022015). Collection method: clinical testing. Allele origin: germline.
Comment: In summary, the available evidence is currently insufficient to determine the role of this variant in disease. Therefore, it has been classified as a Variant of Uncertain Significance. Advanced modeling of protein sequence and biophysical properties (such as structural, functional, and spatial information, amino acid conservation, physicochemical variation, residue mobility, and thermodynamic stability) performed at Invitae indicates that this missense variant is expected to disrupt MAP2K1 protein function. This variant has not been reported in the literature in individuals affected with MAP2K1-related conditions. This variant is not present in population databases (ExAC no frequency). This sequence change replaces arginine with serine at codon 349 of the MAP2K1 protein (p.Arg349Ser). The arginine residue is highly conserved and there is a moderate physicochemical difference between arginine and serine.

NM_002755.4(MAP2K1):c.1047A>C (p.Arg349Ser)

Gene: MAP2K1 (mitogen-activated protein kinase kinase 1; plus strand). Cytogenetic location: 15q22.31.
Variant type: single nucleotide variant.
Coding change: c.1047A>C on transcript NM_002755.4 (MANE Select); coding-DNA position 1047, A replaced by C.
Protein change: p.Arg349Ser; replaces arginine 349 with serine.
Molecular consequence: missense variant.
Genome position (GRCh38, 1-based): chr15:66,489,742, A>C. VCF-style: chr15-66489742-A-C. GRCh37 (hg19) VCF-style: chr15-66782080-A-C.
Other names: short protein forms R349S.
Identifiers: ClinVar variation 1025225 (VCV001025225.6), dbSNP rs1177367316, ClinGen allele CA392938539.